The following is an entry in ClinVar:

NM_001077525.3(MTMR14):c.1207G>A (p.Glu403Lys)

Gene: MTMR14 (myotubularin related protein 14; plus strand). Cytogenetic location: 3p25.3.
Variant type: single nucleotide variant.
Coding change: c.1207G>A on transcript NM_001077525.3 (MANE Select); coding-DNA position 1207, G replaced by A.
Protein change: p.Glu403Lys; replaces glutamic acid 403 with lysine.
Molecular consequence: missense variant. On other transcripts: non-coding transcript variant (9).
Genome position (GRCh38, 1-based): chr3:9,687,863, G>A. VCF-style: chr3-9687863-G-A. GRCh37 (hg19) VCF-style: chr3-9729547-G-A.
Other names: c.1207G>A, p.Glu403Lys (NM_001077526.3, NM_022485.5); c.1276G>A, p.Glu426Lys (NM_001400518.1, NM_001400521.1); c.1204G>A, p.Glu402Lys (NM_001400519.1, NM_001400522.1); c.1132G>A, p.Glu378Lys (NM_001400520.1, NM_001400523.1, NM_001400528.1); c.961G>A, p.Glu321Lys (NM_001400524.1, NM_001400527.1, NM_001400530.1); c.925G>A, p.Glu309Lys (NM_001400525.1, NM_001400529.1, NM_001400532.1); c.1201G>A, p.Glu401Lys (NM_001400526.1); c.958G>A, p.Glu320Lys (NM_001400531.1); and 5 more; short protein forms E284K, E296K, E320K, E403K, E189K, E116K, E309K, E321K.
Identifiers: ClinVar variation 2064513 (VCV002064513.5), dbSNP rs545729557, ClinGen allele CA2240668.

ClinVar aggregate classification (germline): Uncertain significance (1 of 4 stars; one submission).

Allele frequency attached by ClinVar (database versions not stated): 1000 Genomes Project 30x 0.00016; 1000 Genomes Project 0.00020.
gnomAD v4.1: 23 of 1,589,066 alleles (0.0014%); highest among the groups gnomAD compares: South Asian, 0.008%; no homozygotes.

Submissions (2):

Labcorp Genetics (formerly Invitae), Labcorp
Classification: Uncertain significance. Last evaluated: 2022-09-19. Review status: criteria provided, single submitter. Criteria: Invitae Variant Classification Sherloc (09022015). Collection method: clinical testing. Allele origin: germline.
Comment: This sequence change replaces glutamic acid, which is acidic and polar, with lysine, which is basic and polar, at codon 403 of the MTMR14 protein (p.Glu403Lys). This variant is present in population databases (rs545729557, gnomAD 0.01%). This variant has not been reported in the literature in individuals affected with MTMR14-related conditions. Advanced modeling of protein sequence and biophysical properties (such as structural, functional, and spatial information, amino acid conservation, physicochemical variation, residue mobility, and thermodynamic stability) performed at Invitae indicates that this missense variant is not expected to disrupt MTMR14 protein function. In summary, the available evidence is currently insufficient to determine the role of this variant in disease. Therefore, it has been classified as a Variant of Uncertain Significance.

Dr. Peter K. Rogan Lab, Western University
No classification provided (evidence only). Condition: Melanoma. Review status: no classification provided. Collection method: in vitro. Allele origin: not applicable. Functional consequence: retained intron. Not counted in ClinVar's aggregate classification.